The following is an entry in ClinVar:

NM_001130009.3(GEN1):c.2638T>C (p.Cys880Arg)

Gene: GEN1 (GEN1 structure-specific endonuclease; plus strand). Cytogenetic location: 2p24.2.
Variant type: single nucleotide variant.
Coding change: c.2638T>C on transcript NM_001130009.3 (MANE Select); coding-DNA position 2638, T replaced by C.
Protein change: p.Cys880Arg; replaces cysteine 880 with arginine.
Molecular consequence: missense variant.
Genome position (GRCh38, 1-based): chr2:17,781,850, T>C. VCF-style: chr2-17781850-T-C. GRCh37 (hg19) VCF-style: chr2-17963117-T-C.
Other names: c.2638T>C, p.Cys880Arg (NM_182625.5); short protein forms C880R.
Identifiers: ClinVar variation 5022327 (VCV005022327.1).

ClinVar aggregate classification (germline): Uncertain significance (1 of 4 stars; one submission).

gnomAD v4.1: 1 of 1,606,992 alleles (0.000062%); highest among the groups gnomAD compares: African/African-American, 0.0013%; no homozygotes.

Submission:

Ambry Genetics
Classification: Uncertain significance. Last evaluated: 2026-08-10. Review status: criteria provided, single submitter. Criteria: Ambry Variant Classification Scheme 2023. Collection method: clinical testing. Allele origin: germline.
Comment: The p.C880R variant (also known as c.2638T>C), located in coding exon 13 of the GEN1 gene, results from a T to C substitution at nucleotide position 2638. The cysteine at codon 880 is replaced by arginine, an amino acid with highly dissimilar properties. This amino acid position is conserved. In addition, this alteration is predicted to be tolerated by in silico analysis. Based on the available evidence, the clinical significance of this variant remains unclear.